The following is an entry in ClinVar:

ClinVar aggregate classification (germline): Benign. Review status: criteria provided, multiple submitters, no conflicts (2 of 4 stars). 2 submissions from 2 submitters: Benign (2). Last evaluated 2026-02-04.

Conditions:
Congenital hyperammonemia, type I. Also called: CPS I DEFICIENCY; Carbamoyl phosphate synthetase I deficiency disease; Carbamoyl-phosphate synthase I deficiency; Carbamoyl phosphate synthetase 1 deficiency; Hyperammonemia due to carbamoyl phosphate synthetase 1 deficiency; CPS 1 deficiency. Identifiers: Orphanet 147, MedGen C4082171, MONDO:0009376, OMIM 237300.

Allele frequency attached by ClinVar (database versions not stated): gnomAD exomes 0.00428; ExAC 0.00528; gnomAD 0.01703 and 0.01764; 1000 Genomes Project 0.02097; 1000 Genomes Project 30x 0.02139; TOPMed 0.01891; ESP Exome Variant Server 0.01984.
gnomAD v4.1: 5,076 of 1,607,868 alleles (0.32%); highest among the groups gnomAD compares: African/African-American, 6%; 154 homozygotes.

Submissions (2):

Labcorp Genetics (formerly Invitae), Labcorp
Classification: Benign for Congenital hyperammonemia, type I. Last evaluated: 2026-02-04. Review status: criteria provided, single submitter. Criteria: Invitae Variant Classification Sherloc (09022015). Collection method: clinical testing. Allele origin: germline.

GeneDx
Classification: Benign. Last evaluated: 2015-06-04. Review status: criteria provided, single submitter. Criteria: GeneDx Variant Classification (06012015). Collection method: clinical testing. Allele origin: germline. Affected: yes.
Comment: This variant is considered likely benign or benign based on one or more of the following criteria: it is a conservative change, it occurs at a poorly conserved position in the protein, it is predicted to be benign by multiple in silico algorithms, and/or has population frequency not consistent with disease.

NM_001875.5(CPS1):c.2391+18T>G

Gene: CPS1 (carbamoyl-phosphate synthase 1; plus strand). Cytogenetic location: 2q34.
Variant type: single nucleotide variant.
Coding change: c.2391+18T>G on transcript NM_001875.5 (MANE Select); 18 bases into the intron after coding-DNA position 2391, T replaced by G.
Molecular consequence: intron variant.
Genome position (GRCh38, 1-based): chr2:210,608,577, T>G. VCF-style: chr2-210608577-T-G. GRCh37 (hg19) VCF-style: chr2-211473301-T-G.
Other names: c.2391+18T>G (LRG_336t1, NM_001369257.1, NM_001122633.3); c.2424+18T>G (NM_001369256.1).
Identifiers: ClinVar variation 377752 (VCV000377752.10), dbSNP rs59741271, ClinGen allele CA2086621.